The following is an entry in ClinVar:

ClinVar aggregate classification (germline): Uncertain significance (1 of 4 stars; one submission).

Conditions:
Primary ciliary dyskinesia. Also called: Ciliary dyskinesia. Identifiers: Orphanet 244, MedGen C0008780, MONDO:0016575, HP:0012265.

Allele frequency attached by ClinVar (database versions not stated): ExAC 0.00001; gnomAD 0.00003; TOPMed 0.00007; gnomAD exomes below 0.00001.
gnomAD v4.1: 8 of 1,614,134 alleles (0.0005%); highest among the groups gnomAD compares: African/African-American, 0.0093%; no homozygotes.

Submission:

Labcorp Genetics (formerly Invitae), Labcorp
Classification: Uncertain significance for Primary ciliary dyskinesia. Last evaluated: 2022-08-09. Review status: criteria provided, single submitter. Criteria: Invitae Variant Classification Sherloc (09022015). Collection method: clinical testing. Allele origin: germline.
Comment: This sequence change replaces valine, which is neutral and non-polar, with methionine, which is neutral and non-polar, at codon 149 of the CCDC103 protein (p.Val149Met). This variant is present in population databases (rs746981376, gnomAD 0.007%). This variant has not been reported in the literature in individuals affected with CCDC103-related conditions. ClinVar contains an entry for this variant (Variation ID: 577936). Algorithms developed to predict the effect of missense changes on protein structure and function output the following: SIFT: "Deleterious"; PolyPhen-2: "Benign"; Align-GVGD: "Class C0". The methionine amino acid residue is found in multiple mammalian species, which suggests that this missense change does not adversely affect protein function. In summary, the available evidence is currently insufficient to determine the role of this variant in disease. Therefore, it has been classified as a Variant of Uncertain Significance.

NM_213607.3(DNAAF19):c.445G>A (p.Val149Met)

Gene: DNAAF19 (dynein axonemal assembly factor 19; plus strand). Cytogenetic location: 17q21.31.
Variant type: single nucleotide variant.
Coding change: c.445G>A on transcript NM_213607.3 (MANE Select); coding-DNA position 445, G replaced by A.
Protein change: p.Val149Met; replaces valine 149 with methionine.
Molecular consequence: missense variant. On other transcripts: 3 prime UTR variant (3).
Genome position (GRCh38, 1-based): chr17:44,902,533, G>A. VCF-style: chr17-44902533-G-A. GRCh37 (hg19) VCF-style: chr17-42979901-G-A.
Other names: c.445G>A, p.Val149Met (NM_001258395.2, NM_001258396.2); c.*195G>A (NM_001258397.3); c.*134G>A (NM_001258398.3, NM_001258399.2); short protein forms V149M.
Identifiers: ClinVar variation 577936 (VCV000577936.6), dbSNP rs746981376, ClinGen allele CA8608374.
Genomic context (GRCh38, chr17:44,902,533, plus strand): 5'-CCAAGGCTCGGCTGCCTCTTCCAGACAGATGTGGGATTTGGACTTCTTGGGGAGCTGCTG[G>A]TGGCACTGGCTGATCACGTGGGGCCGGCTGACCGGGCAGCGGTGCTGGGGATCCTATGCA-3'
Protein context (NP_998772.1, residues 139-159): VGFGLLGELL[Val149Met]ALADHVGPAD